The following is an entry in ClinVar:

ClinVar aggregate classification (germline): Uncertain significance (1 of 4 stars; one submission).

Allele frequency attached by ClinVar (database versions not stated): gnomAD exomes below 0.00001.
gnomAD v4.1: 1 of 1,167,909 alleles (0.000086%); highest among the groups gnomAD compares: South Asian, 0.0019%; no homozygotes.

Submission:

Labcorp Genetics (formerly Invitae), Labcorp
Classification: Uncertain significance. Last evaluated: 2025-09-02. Review status: criteria provided, single submitter. Criteria: Invitae Variant Classification Sherloc (09022015). Collection method: clinical testing. Allele origin: germline.
Comment: This sequence change replaces methionine, which is neutral and non-polar, with threonine, which is neutral and polar, at codon 525 of the STAG2 protein (p.Met525Thr). This variant is not present in population databases (gnomAD no frequency). This variant has not been reported in the literature in individuals affected with STAG2-related conditions. ClinVar contains an entry for this variant (Variation ID: 2771784). Invitae Evidence Modeling of protein sequence and biophysical properties (such as structural, functional, and spatial information, amino acid conservation, physicochemical variation, residue mobility, and thermodynamic stability) has been performed for this missense variant. However, the output from this modeling did not meet the statistical confidence thresholds required to predict the impact of this variant on STAG2 protein function. In summary, the available evidence is currently insufficient to determine the role of this variant in disease. Therefore, it has been classified as a Variant of Uncertain Significance.

NM_001042750.2(STAG2):c.1574T>C (p.Met525Thr)

Gene: STAG2 (STAG2 cohesin complex component; plus strand). Cytogenetic location: Xq25.
Variant type: single nucleotide variant.
Coding change: c.1574T>C on transcript NM_001042750.2 (MANE Select); coding-DNA position 1574, T replaced by C.
Protein change: p.Met525Thr; replaces methionine 525 with threonine.
Molecular consequence: missense variant.
Genome position (GRCh38, 1-based): chrX:124,061,810, T>C. VCF-style: chrX-124061810-T-C. GRCh37 (hg19) VCF-style: chrX-123195660-T-C.
Other names: c.1574T>C, p.Met525Thr (NM_001375374.1, NM_001375375.1, NM_001375376.1 and 13 more transcripts); short protein forms M525T.
Identifiers: ClinVar variation 2771784 (VCV002771784.3), dbSNP rs753619338, ClinGen allele CA414279653.